The following is an entry in ClinVar:

NM_199420.4(POLQ):c.977T>C (p.Val326Ala)

Gene: POLQ (DNA polymerase theta; minus strand). Cytogenetic location: 3q13.33.
Variant type: single nucleotide variant.
Coding change: c.977T>C on transcript NM_199420.4 (MANE Select); coding-DNA position 977, T replaced by C.
Protein change: p.Val326Ala; replaces valine 326 with alanine.
Molecular consequence: missense variant.
Genome position (GRCh38, 1-based): chr3:121,529,776, A>G on the plus strand (T>C on the coding strand, the complement: POLQ is on the minus strand). VCF-style: chr3-121529776-A-G. GRCh37 (hg19) VCF-style: chr3-121248623-A-G.
Other names: short protein forms V326A.
Identifiers: ClinVar variation 1768174 (VCV001768174.3), dbSNP rs2546817116, ClinGen allele CA354124881.
Genomic context (GRCh38, chr3:121,529,776, plus strand): 5'-GATGGACAAAAAAGTAATACTGAATGGTTATCACAAATCGTCTCATAACATAAACTAACA[A>G]CATGGTCCTCATCTCCCTAAAACAGAAAGATAAATAACCACTTTAGTGGTCCTTTCAAAA-3'
Protein context (NP_955452.3, residues 316-336): MLQVKGDEDH[Val326Ala]VSLCYETICD

ClinVar aggregate classification (germline): Uncertain significance (1 of 4 stars; one submission).

Submission:

Ambry Genetics
Classification: Uncertain significance. Last evaluated: 2024-07-07. Review status: criteria provided, single submitter. Criteria: Ambry Variant Classification Scheme 2023. Collection method: clinical testing. Allele origin: germline.
Comment: The p.V326A variant (also known as c.977T>C), located in coding exon 7 of the POLQ gene, results from a T to C substitution at nucleotide position 977. The valine at codon 326 is replaced by alanine, an amino acid with similar properties. This amino acid position is conserved. In addition, this alteration is predicted to be tolerated by in silico analysis. Since supporting evidence is limited at this time, the clinical significance of this alteration remains unclear.